The following is an entry in ClinVar:

ClinVar aggregate classification (germline): Pathogenic (1 of 4 stars; one submission).

Conditions:
Leukodystrophy, hypomyelinating, 10. Also called: PYCR2-related microcephaly-progressive leukoencephalopathy. Identifiers: Orphanet 481152, MedGen C4225332, MONDO:0014632, OMIM 616420.

Submission:

Women's Health and Genetics/Laboratory Corporation of America, LabCorp
Classification: Pathogenic for Leukodystrophy, hypomyelinating, 10. Last evaluated: 2026-03-17. Review status: criteria provided, single submitter. Criteria: LabCorp Variant Classification Summary - May 2015. Collection method: clinical testing. Allele origin: germline.
Comment: Variant summary: PYCR2 c.619dupG (p.Ala207GlyfsX22) results in a premature termination codon, predicted to cause a truncation of the encoded protein or absence of the protein due to nonsense mediated decay, which are commonly known mechanisms for disease. The variant was absent in 251448 control chromosomes. To our knowledge, no occurrence of c.619dupG in individuals affected with PYCR2-related conditions and no experimental evidence demonstrating its impact on protein function have been reported. No submitters have cited clinical-significance assessments for this variant to ClinVar. Based on the evidence outlined above, the variant was classified as pathogenic.

NM_013328.4(PYCR2):c.619dup (p.Ala207fs)

Gene: PYCR2 (pyrroline-5-carboxylate reductase 2; minus strand). Cytogenetic location: 1q42.12.
Variant type: Duplication.
Coding change: c.619dup on transcript NM_013328.4 (MANE Select); coding-DNA position 619, one base duplicated (G; older notation c.619dupG).
Protein change: p.Ala207fs; shifts the reading frame from alanine 207.
Molecular consequence: frameshift variant.
Genome position (GRCh38, 1-based): chr1:225,921,566, C duplicated on the plus strand (G on the coding strand, the reverse complement: PYCR2 is on the minus strand); the first of 4 consecutive C bases (chr1:225,921,566-225,921,569); duplicating any one gives the same sequence. VCF-style (leftmost placement, unchanged base first): chr1-225921565-G-GC. GRCh37 (hg19) VCF-style: chr1-226109265-G-GC.
Other names: c.397dup, p.Ala133fs (NM_001271681.2); c.619dupG (NM_013328.4); short protein forms A133fs, A207fs.
Identifiers: ClinVar variation 4847146 (VCV004847146.1).